The following is an entry in ClinVar:

ClinVar aggregate classification (germline): Conflicting classifications of pathogenicity. Review status: criteria provided, conflicting classifications (1 of 4 stars). 9 submissions from 9 submitters: Pathogenic (2); Likely pathogenic (6); Uncertain significance (1). Last evaluated 2026-02-26.

Conditions:
PKHD1-related disorder. Also called: PKHD1-related condition.
Polycystic kidney disease 4 (PKD4). Also called: POLYCYSTIC KIDNEY AND HEPATIC DISEASE 1; POLYCYSTIC KIDNEY DISEASE, INFANTILE, TYPE I; POLYCYSTIC KIDNEY DISEASE 4 WITH OR WITHOUT POLYCYSTIC LIVER DISEASE; Autosomal Recessive Polycystic Kidney Disease – PKHD1; PKD3. Identifiers: MedGen C4540575, MONDO:0033004, OMIM 263200.
Autosomal recessive polycystic kidney disease (ARPKD). Also called: AR polycystic kidney disease. Identifiers: Orphanet 731, Orphanet 8378, MedGen C0085548, MeSH D017044, MONDO:0009889.

Allele frequency attached by ClinVar (database versions not stated): gnomAD 0.00001; ExAC 0.00001; gnomAD exomes 0.00006 and 0.00002; TOPMed 0.00003.
gnomAD v4.1: 86 of 1,611,916 alleles (0.0053%); highest among the groups gnomAD compares: Non-Finnish European, 0.007%; no homozygotes.

Submissions (9):

Myriad Genetics, Inc.
Classification: Likely pathogenic for Polycystic kidney disease 4. Last evaluated: 2026-02-26. Review status: criteria provided, single submitter. Criteria: Myriad Autosomal Dominant, Autosomal Recessive and X-Linked Classification Criteria (2023). Collection method: clinical testing. Allele origin: unknown.
Comment: NM_138694.3(PKHD1):c.7280T>C(I2427T) is a missense variant classified as likely pathogenic in the context of autosomal recessive polycystic kidney disease, PKHD1-related. I2427T has been observed in cases with relevant disease (PMID: 32939031, 27225849, 15698423, Soler_2026_(Article)). Relevant functional assessments of this variant are not available in the literature. I2427T has been observed in referenced population frequency databases. In summary, NM_138694.3(PKHD1):c.7280T>C(I2427T) is a missense variant that has been observed more frequently in cases with the relevant disease than in healthy populations. Please note: this variant was assessed in the context of healthy population screening.

Natera, Inc.
Classification: Likely pathogenic for Autosomal recessive polycystic kidney disease. Last evaluated: 2025-10-03. Review status: criteria provided, single submitter. Criteria: Natera Variant Classification Schema (03/2026). Collection method: clinical testing. Allele origin: germline.
Comment: The c.7280T>C variant in PKHD1 is a missense variant predicted to cause substitution of isoleucine to threonine at amino acid 2427. This variant is rare in the general population with a frequency below the threshold expected for the associated phenotype(s). This variant has been observed in one or more individuals affected with the associated recessive disease, as either homozygous or compound heterozygous with a second variant (PMID: 27225849, 15698423, 32939031). Additionally, this variant has been observed to segregate in affected family members (PMID: 15698423). Computational prediction algorithms indicate this variant is likely to affect gene or protein function. Given the available evidence, this variant is classified as Likely Pathogenic.

3billion
Classification: Likely pathogenic for Polycystic kidney disease 4. Last evaluated: 2025-08-08. Review status: criteria provided, single submitter. Criteria: ACMG Guidelines, 2015. Collection method: clinical testing. Allele origin: germline. Affected: yes.
Comment: The variant is observed at an extremely low frequency in the gnomAD v4.1.0 dataset (total allele frequency: 0.005%). Predicted Consequence/Location: Missense variant. The majority of the known disease-causing variants of this gene are variants expected to result in premature termination of the protein. In silico tool predictions suggest damaging effect of the variant on gene or gene product [REVEL: 0.67 (>=0.6, sensitivity 0.68 and specificity 0.92)]. The same nucleotide change resulting in the same amino acid change has been previously reported as pathogenic/likely pathogenic with strong evidence (ClinVar ID: VCV000096419 /PMID: 15698423). Therefore, this variant is classified as Likely pathogenic according to the recommendation of ACMG/AMP guideline.

Victorian Clinical Genetics Services, Murdoch Childrens Research Institute
Classification: Pathogenic for Polycystic kidney disease 4. Last evaluated: 2025-05-15. Review status: criteria provided, single submitter. Criteria: ACMG Guidelines, 2015. Collection method: clinical testing. Allele origin: germline. Affected: yes.
Comment: This variant is classified as Pathogenic. Evidence in support of pathogenic classification: Variant is present in gnomAD (v2) <0.01 for a recessive condition (6 heterozygotes, 0 homozygotes); This variant has strong previous evidence of pathogenicity in unrelated individuals. It has been reported in at least three unrelated individuals with autosomal recessive polycystic kidney disease (PMIDs: 15698423, 27225849, 32939031). In addition, it has been submitted to ClinVar as pathogenic/likely pathogenic, with one older VUS submission. Additional information: Variant is predicted to result in a missense amino acid change from isoleucine to threonine; This variant is heterozygous; This gene is associated with autosomal recessive disease; however, there are emerging reports of heterozygous carriers of PKHD1 variants developing liver cysts and nephrocalcinosis (PMIDs: 21945273, 36691356); An alternative amino acid change at the same position has been observed in gnomAD (v2) (1 heterozygote, 0 homozygotes); No published segregation evidence has been identified for this variant; No published functional evidence has been identified for this variant; No comparable missense variants have previous evidence for pathogenicity; Variant is not located in an established domain, motif, hotspot or informative constraint region; Missense variant with conflicting in silico predictions and uninformative conservation; Loss of function is a known mechanism of disease in this gene and is associated with polycystic kidney disease 4, with or without hepatic disease (MIM#263200); Variants in this gene are known to have variable expressivity. Significant intrafamilial variability has been reported (PMID: 20301501); Inheritance information for this variant is not currently available in this individual.

Fulgent Genetics
Classification: Likely pathogenic for Polycystic kidney disease 4. Last evaluated: 2024-03-25. Review status: criteria provided, single submitter. Criteria: ACMG Guidelines, 2015. Collection method: clinical testing. Allele origin: germline.

Labcorp Genetics (formerly Invitae), Labcorp
Classification: Pathogenic for Autosomal recessive polycystic kidney disease. Last evaluated: 2024-03-03. Review status: criteria provided, single submitter. Criteria: Invitae Variant Classification Sherloc (09022015). Collection method: clinical testing. Allele origin: germline.
Comment: This sequence change replaces isoleucine, which is neutral and non-polar, with threonine, which is neutral and polar, at codon 2427 of the PKHD1 protein (p.Ile2427Thr). This variant is present in population databases (rs398124492, gnomAD 0.004%). This missense change has been observed in individual(s) with polycystic kidney disease (PMID: 15698423, 27225849). In at least one individual the data is consistent with being in trans (on the opposite chromosome) from a pathogenic variant. It has also been observed to segregate with disease in related individuals. ClinVar contains an entry for this variant (Variation ID: 96419). Advanced modeling of protein sequence and biophysical properties (such as structural, functional, and spatial information, amino acid conservation, physicochemical variation, residue mobility, and thermodynamic stability) performed at Invitae indicates that this missense variant is expected to disrupt PKHD1 protein function with a positive predictive value of 80%. For these reasons, this variant has been classified as Pathogenic.

Blueprint Genetics
Classification: Likely pathogenic for PKHD1-related disorders. Last evaluated: 2021-09-01. Review status: criteria provided, single submitter. Criteria: ACMG Guidelines, 2015. Collection method: clinical testing. Allele origin: germline. Affected: yes. Observed: 4 variant alleles.

Eurofins Ntd Llc (ga)
Classification: Uncertain significance. Last evaluated: 2014-04-16. Review status: criteria provided, single submitter. Criteria: EGL Classification Definitions 2015. Collection method: clinical testing. Allele origin: germline. Observed: 3 variant alleles, 3 heterozygotes.

Baylor Genetics
Classification: Likely pathogenic for Polycystic kidney disease 4. Review status: criteria provided, single submitter. Criteria: ACMG Guidelines, 2015. Collection method: clinical testing. Allele origin: germline.

Literature cited by the submitters: PubMed 27225849 (cited by 3 submitters); PubMed 15698423 (cited by 4 submitters); PubMed 32939031 (cited by Natera, Inc. and Victorian Clinical Genetics Services, Murdoch Childrens Research Institute); PubMed 36691356 (cited by Victorian Clinical Genetics Services, Murdoch Childrens Research Institute); PubMed 20301501 (cited by Victorian Clinical Genetics Services, Murdoch Childrens Research Institute); PubMed 21945273 (cited by Victorian Clinical Genetics Services, Murdoch Childrens Research Institute).

NM_138694.4(PKHD1):c.7280T>C (p.Ile2427Thr)

Gene: PKHD1 (PKHD1 ciliary IPT domain containing fibrocystin/polyductin; minus strand). Cytogenetic location: 6p12.2.
Variant type: single nucleotide variant.
Coding change: c.7280T>C on transcript NM_138694.4 (MANE Select); coding-DNA position 7280, T replaced by C.
Protein change: p.Ile2427Thr; replaces isoleucine 2427 with threonine.
Molecular consequence: missense variant.
Genome position (GRCh38, 1-based): chr6:51,883,163, A>G on the plus strand (T>C on the coding strand, the complement: PKHD1 is on the minus strand). VCF-style: chr6-51883163-A-G. GRCh37 (hg19) VCF-style: chr6-51747961-A-G.
Other names: c.7280T>C (NM_170724.2); c.7280T>C, p.Ile2427Thr (NM_170724.3); short protein forms I2427T.
Identifiers: ClinVar variation 96419 (VCV000096419.28), dbSNP rs398124492, ClinGen allele CA224091.